The following is an entry in ClinVar:

ClinVar aggregate classification (germline): Conflicting classifications of pathogenicity. Review status: criteria provided, conflicting classifications (1 of 4 stars). 16 submissions from 14 submitters: Uncertain significance (1); Benign (9); Likely benign (3). 3 of the submissions do not count toward it. Last evaluated 2026-02-04.

Conditions:
Autoinflammatory syndrome. Identifiers: Orphanet 93665, MedGen C3890737, MONDO:0019751.
Acute febrile neutrophilic dermatosis (AFND). Also called: Sweet Syndrome; Gomm Button disease. Identifiers: Orphanet 3243, MedGen C0085077, MONDO:0011959, OMIM 608068.
Inborn genetic diseases. Identifiers: MedGen C0950123, MeSH D030342.
Familial Mediterranean fever (FMF). Also called: Periodic peritonitis; Benign paroxysmal peritonitis; POLYSEROSITIS, FAMILIAL PAROXYSMAL; POLYSEROSITIS, RECURRENT. Identifiers: Orphanet 342, MedGen C0031069, MONDO:0018088, OMIM 249100. Disease mechanism: gain of function.
Familial Mediterranean fever, autosomal dominant. Also called: FMF, AUTOSOMAL DOMINANT; Dominant Familial Mediterranean Fever. Identifiers: Orphanet 342, MedGen C1851347, MONDO:0007601, OMIM 134610.

Allele frequency attached by ClinVar (database versions not stated): ESP Exome Variant Server 0.00300; gnomAD exomes 0.00626 and 0.01248; gnomAD 0.00733 and 0.00846; TOPMed 0.00941; ExAC 0.01208; 1000 Genomes Project 30x 0.02452; 1000 Genomes Project 0.02796.
gnomAD v4.1: 10,980 of 1,614,126 alleles (0.68%); highest among the groups gnomAD compares: East Asian, 8.9%; 300 homozygotes.

Submissions (16):

Labcorp Genetics (formerly Invitae), Labcorp
Classification: Benign for Familial Mediterranean fever. Last evaluated: 2026-02-04. Review status: criteria provided, single submitter. Criteria: Invitae Variant Classification Sherloc (09022015). Collection method: clinical testing. Allele origin: germline.

ARUP Laboratories, Molecular Genetics and Genomics, ARUP Laboratories
Classification: Benign. Last evaluated: 2025-07-25. Review status: criteria provided, single submitter. Criteria: ARUP Molecular Germline Variant Investigation Process 2024. Collection method: clinical testing. Allele origin: germline.

Blueprint Genetics
Classification: Likely benign. Last evaluated: 2024-11-27. Review status: criteria provided, single submitter. Criteria: ACMG Guidelines, 2015. Collection method: clinical testing. Allele origin: germline.

Genome-Nilou Lab
Classification: Uncertain significance for Familial Mediterranean fever. Last evaluated: 2023-02-08. Review status: criteria provided, single submitter. Criteria: ACMG Guidelines, 2015. Collection method: clinical testing. Allele origin: germline.

Genome-Nilou Lab
Classification: Likely benign for Familial Mediterranean fever, autosomal dominant. Last evaluated: 2023-02-08. Review status: criteria provided, single submitter. Criteria: ACMG Guidelines, 2015. Collection method: clinical testing. Allele origin: germline.

Genome-Nilou Lab
Classification: Likely benign for Acute febrile neutrophilic dermatosis. Last evaluated: 2023-02-08. Review status: criteria provided, single submitter. Criteria: ACMG Guidelines, 2015. Collection method: clinical testing. Allele origin: germline.

Genome Diagnostics Laboratory, The Hospital for Sick Children
Classification: Benign for Autoinflammatory syndrome. Last evaluated: 2022-03-12. Review status: criteria provided, single submitter. Criteria: ACMG Guidelines, 2015. Collection method: clinical testing. Allele origin: germline. Affected: yes.

Mayo Clinic Laboratories, Mayo Clinic
Classification: Benign. Last evaluated: 2018-05-29. Review status: criteria provided, single submitter. Criteria: ACMG Guidelines, 2015. Collection method: clinical testing. Allele origin: germline. Observed: 19 variant alleles.

Illumina Laboratory Services, Illumina
Classification: Benign for Familial Mediterranean fever. Last evaluated: 2017-04-27. Review status: criteria provided, single submitter. Criteria: ICSL Variant Classification Criteria 13 December 2019. Collection method: clinical testing. Allele origin: germline.
Comment: This variant was observed as part of a predisposition screen in an ostensibly healthy population. A literature search was performed for the gene, cDNA change, and amino acid change (where applicable). Publications were found based on this search. The evidence from the literature, in combination with allele frequency data from public databases where available, was sufficient to rule this variant out of causing disease. Therefore, this variant is classified as benign.

Ambry Genetics
Classification: Benign for Inborn genetic diseases. Last evaluated: 2016-12-07. Review status: criteria provided, single submitter. Criteria: Ambry Variant Classification Scheme 2023. Collection method: clinical testing. Allele origin: germline.

GeneDx
Classification: Benign. Last evaluated: 2015-03-03. Review status: criteria provided, single submitter. Criteria: GeneDx Variant Classification Process June 2021. Collection method: clinical testing. Allele origin: germline. Affected: yes.
Comment: This variant is associated with the following publications: (PMID: 32199921)

Breakthrough Genomics
Classification: Benign. Review status: criteria provided, single submitter. Criteria: ACMG Guidelines, 2015. Collection method: not provided. Allele origin: germline. Inheritance: Autosomal recessive inheritance. Affected: yes.

PreventionGenetics, part of Exact Sciences
Classification: Benign. Review status: criteria provided, single submitter. Criteria: ACMG Guidelines, 2015. Collection method: clinical testing. Allele origin: germline.

Natera, Inc.
Classification: Benign for Familial Mediterranean fever. Last evaluated: 2020-09-16. Review status: no assertion criteria provided. Collection method: clinical testing. Allele origin: germline. Not counted in ClinVar's aggregate classification.

Women's Health and Genetics/Laboratory Corporation of America, LabCorp
Classification: Benign for Familial Mediterranean Fever. Last evaluated: 2011-05-23. Review status: no assertion criteria provided. Collection method: clinical testing. Allele origin: germline. Not counted in ClinVar's aggregate classification.

Unité médicale des maladies autoinflammatoires, CHRU Montpellier
No classification provided. Condition: Familial Mediterranean fever. Review status: no classification provided. Collection method: not provided. Allele origin: unknown. Not counted in ClinVar's aggregate classification.

Literature cited by the submitters: PubMed 26360812 (cited by Illumina Laboratory Services, Illumina); PubMed 22934972 (cited by Illumina Laboratory Services, Illumina); PubMed 22505824 (cited by Illumina Laboratory Services, Illumina); PubMed 14679589 (cited by Illumina Laboratory Services, Illumina); PubMed 21413889 (cited by Illumina Laboratory Services, Illumina).

NM_000243.3(MEFV):c.1503C>T (p.Arg501=)

Gene: MEFV (MEFV innate immunity regulator, pyrin; minus strand). Cytogenetic location: 16p13.3.
Variant type: single nucleotide variant.
Coding change: c.1503C>T on transcript NM_000243.3 (MANE Select); coding-DNA position 1503, C replaced by T.
Protein change: p.Arg501=; no amino-acid change (arginine 501 retained).
Molecular consequence: synonymous variant.
Genome position (GRCh38, 1-based): chr16:3,247,100, G>A on the plus strand (C>T on the coding strand, the complement: MEFV is on the minus strand). VCF-style: chr16-3247100-G-A. GRCh37 (hg19) VCF-style: chr16-3297100-G-A.
Other names: p.Arg501=; c.870C>T, p.Arg290= (NM_001198536.2).
Identifiers: ClinVar variation 36501 (VCV000036501.34), dbSNP rs76464258, ClinGen allele CA280251.